The following is an entry in ClinVar:

NM_012282.4(KCNE5):c.44G>T (p.Arg15Leu)

Gene: KCNE5 (potassium voltage-gated channel subfamily E regulatory subunit 5; minus strand). Cytogenetic location: Xq23.
Variant type: single nucleotide variant.
Coding change: c.44G>T on transcript NM_012282.4 (MANE Select); coding-DNA position 44, G replaced by T.
Protein change: p.Arg15Leu; replaces arginine 15 with leucine.
Molecular consequence: missense variant.
Genome position (GRCh38, 1-based): chrX:109,624,977, C>A on the plus strand (G>T on the coding strand, the complement: KCNE5 is on the minus strand). VCF-style: chrX-109624977-C-A. GRCh37 (hg19) VCF-style: chrX-108868206-C-A.
Other names: short protein forms R15L.
Identifiers: ClinVar variation 3646345 (VCV003646345.2).

ClinVar aggregate classification (germline): Uncertain significance (1 of 4 stars; one submission).

Conditions:
Brugada syndrome. Also called: Sudden unexpected nocturnal death syndrome; Sudden Unexplained Death Syndrome; Sudden Unexplained Nocturnal Death Syndrome (SUNDS); Sudden unexplained nocturnal death syndrome. Identifiers: Orphanet 130, MedGen C1142166, MONDO:0015263.

Submission:

Labcorp Genetics (formerly Invitae), Labcorp
Classification: Uncertain significance for Brugada syndrome. Last evaluated: 2024-03-16. Review status: criteria provided, single submitter. Criteria: Invitae Variant Classification Sherloc (09022015). Collection method: clinical testing. Allele origin: germline.
Comment: This sequence change replaces arginine, which is basic and polar, with leucine, which is neutral and non-polar, at codon 15 of the KCNE5 protein (p.Arg15Leu). This variant is not present in population databases (gnomAD no frequency). This variant has not been reported in the literature in individuals affected with KCNE5-related conditions. An algorithm developed to predict the effect of missense changes on protein structure and function (PolyPhen-2) suggests that this variant is likely to be tolerated. In summary, the available evidence is currently insufficient to determine the role of this variant in disease. Therefore, it has been classified as a Variant of Uncertain Significance.